The following is an entry in ClinVar:

NM_003334.4(UBA1):c.3008C>T (p.Pro1003Leu)

Gene: UBA1 (ubiquitin like modifier activating enzyme 1; plus strand). Cytogenetic location: Xp11.3.
Variant type: single nucleotide variant.
Coding change: c.3008C>T on transcript NM_003334.4 (MANE Select); coding-DNA position 3008, C replaced by T.
Protein change: p.Pro1003Leu; replaces proline 1003 with leucine.
Molecular consequence: missense variant.
Genome position (GRCh38, 1-based): chrX:47,214,604, C>T. VCF-style: chrX-47214604-C-T. GRCh37 (hg19) VCF-style: chrX-47074003-C-T.
Other names: c.3008C>T, p.Pro1003Leu (NM_153280.3); short protein forms P1003L.
Identifiers: ClinVar variation 1389552 (VCV001389552.6), dbSNP rs2147304012, ClinGen allele CA412812094.

ClinVar aggregate classification (germline): Uncertain significance (1 of 4 stars; one submission).

Conditions:
Infantile-onset X-linked spinal muscular atrophy. Also called: SPINAL MUSCULAR ATROPHY, X-LINKED LETHAL INFANTILE; AMC, DISTAL, X-LINKED; ARTHROGRYPOSIS, X-LINKED, TYPE I; Spinal Muscular Atrophy, X-Linked Infantile; Spinal muscular atrophy, X-linked 2. Identifiers: Orphanet 1145, MedGen C1844934, MONDO:0010532, OMIM 301830.

Submission:

Labcorp Genetics (formerly Invitae), Labcorp
Classification: Uncertain significance for Infantile-onset X-linked spinal muscular atrophy. Last evaluated: 2021-10-27. Review status: criteria provided, single submitter. Criteria: Invitae Variant Classification Sherloc (09022015). Collection method: clinical testing. Allele origin: germline.
Comment: This variant has not been reported in the literature in individuals affected with UBA1-related conditions. This sequence change replaces proline, a(n) neutral and non-polar amino acid, with leucine, a(n) neutral and non-polar amino acid, at codon 1003 of the UBA1 protein (p.Pro1003Leu). This variant is not present in population databases (gnomAD no frequency). Algorithms developed to predict the effect of missense changes on protein structure and function are either unavailable or do not agree on the potential impact of this missense change (SIFT: "Deleterious"; PolyPhen-2: "Benign"; Align-GVGD: "Class C0"). In summary, the available evidence is currently insufficient to determine the role of this variant in disease. Therefore, it has been classified as a Variant of Uncertain Significance.